The following is an entry in ClinVar:

ClinVar aggregate classification (germline): Pathogenic (1 of 4 stars; one submission).

Conditions:
Curry-Hall syndrome (WAD). Also called: WEYERS ACRODENTAL DYSOSTOSIS. Identifiers: Orphanet 952, MedGen C0457013, MONDO:0008673, OMIM 193530.
Ellis-van Creveld syndrome (EVC). Also called: EVC-Related Ellis-van Creveld Syndrome; EVC2-Related Ellis-van Creveld Syndrome; MESOECTODERMAL DYSPLASIA; Chondroectodermal dysplasia. Identifiers: Orphanet 289, MedGen C0013903, MONDO:0009162, OMIM 225500.

Submission:

Labcorp Genetics (formerly Invitae), Labcorp
Classification: Pathogenic for Curry-Hall syndrome; Ellis-van Creveld syndrome. Last evaluated: 2022-06-07. Review status: criteria provided, single submitter. Criteria: Invitae Variant Classification Sherloc (09022015). Collection method: clinical testing. Allele origin: germline.
Comment: This sequence change creates a premature translational stop signal (p.Glu224Glyfs*7) in the EVC2 gene. It is expected to result in an absent or disrupted protein product. Loss-of-function variants in EVC2 are known to be pathogenic (PMID: 17024374, 19810119, 19876929). This variant is not present in population databases (gnomAD no frequency). This variant has not been reported in the literature in individuals affected with EVC2-related conditions. For these reasons, this variant has been classified as Pathogenic.

Literature cited by the submitters: PubMed 17024374; PubMed 19810119; PubMed 19876929.

NM_147127.5(EVC2):c.670dup (p.Glu224fs)

Gene: EVC2 (EvC ciliary complex subunit 2; minus strand). Cytogenetic location: 4p16.2.
Variant type: Duplication.
Coding change: c.670dup on transcript NM_147127.5 (MANE Select); coding-DNA position 670, one base duplicated (G; older notation c.670dupG).
Protein change: p.Glu224fs; shifts the reading frame from glutamic acid 224.
Molecular consequence: frameshift variant.
Genome position (GRCh38, 1-based): chr4:5,689,193, C duplicated on the plus strand (G on the coding strand, the reverse complement: EVC2 is on the minus strand); the first of 2 consecutive C bases (chr4:5,689,193-5,689,194); duplicating either gives the same sequence. VCF-style (leftmost placement, unchanged base first): chr4-5689192-T-TC. GRCh37 (hg19) VCF-style: chr4-5690919-T-TC.
Other names: c.430dup, p.Glu144fs (NM_001166136.2); short protein forms E144fs, E224fs.
Identifiers: ClinVar variation 2002981 (VCV002002981.4), dbSNP rs2475590742, ClinGen allele CA2580070773.